The following is an entry in ClinVar:

ClinVar aggregate classification (germline): Conflicting classifications of pathogenicity. Review status: criteria provided, conflicting classifications (1 of 4 stars). 2 submissions from 2 submitters: Uncertain significance (1); Likely benign (1). Last evaluated 2025-06-02.

Conditions:
Hereditary cancer-predisposing syndrome. Also called: Neoplastic Syndromes, Hereditary; Tumor predisposition; Hereditary Cancer Syndrome; Hereditary neoplastic syndrome. Identifiers: Orphanet 140162, MedGen C0027672, MeSH D009386, MONDO:0015356.

Submissions (2):

Ambry Genetics
Classification: Uncertain significance for Hereditary cancer-predisposing syndrome. Last evaluated: 2025-06-02. Review status: criteria provided, single submitter. Criteria: Ambry Variant Classification Scheme 2023. Collection method: clinical testing. Allele origin: germline.
Comment: The p.T298P variant (also known as c.892A>C), located in coding exon 9 of the BRCA2 gene, results from an A to C substitution at nucleotide position 892. The threonine at codon 298 is replaced by proline, an amino acid with highly similar properties. This amino acid position is not well conserved in available vertebrate species. In addition, this alteration is predicted to be tolerated by in silico analysis. Since supporting evidence is limited at this time, the clinical significance of this alteration remains unclear.

University of Washington Department of Laboratory Medicine, University of Washington
Classification: Likely benign for Hereditary cancer-predisposing syndrome. Last evaluated: 2023-03-23. Review status: criteria provided, single submitter. Criteria: Dines et al. (Genet Med. 2020). Collection method: curation. Allele origin: germline.
Comment: Missense variant in a coldspot region where missense variants are very unlikely to be pathogenic (PMID:31911673).

BRCA2 exon 10 coldspot. Reclassification based on statistical prior probability.

NM_000059.4(BRCA2):c.892A>C (p.Thr298Pro)

Gene: BRCA2 (BRCA2 DNA repair associated; plus strand). Cytogenetic location: 13q13.1.
Variant type: single nucleotide variant.
Coding change: c.892A>C on transcript NM_000059.4 (MANE Select); coding-DNA position 892, A replaced by C.
Protein change: p.Thr298Pro; replaces threonine 298 with proline.
Molecular consequence: missense variant.
Genome position (GRCh38, 1-based): chr13:32,332,370, A>C. VCF-style: chr13-32332370-A-C. GRCh37 (hg19) VCF-style: chr13-32906507-A-C.
Other names: c.892A>C, p.Thr298Pro (NM_001406719.1, NM_001406720.1, NM_001406721.1); short protein forms T298P.
Identifiers: ClinVar variation 1765140 (VCV001765140.5), dbSNP rs2137465582, ClinGen allele CA387760662.
Genomic context (GRCh38, chr13:32,332,370, plus strand): 5'-AGCTGCAAAGACCACATTGGAAAGTCAATGCCAAATGTCCTAGAAGATGAAGTATATGAA[A>C]CAGTTGTAGATACCTCTGAAGAAGATAGTTTTTCATTATGTTTTTCTAAATGTAGAACAA-3'
Protein context (NP_000050.3, residues 288-308): PNVLEDEVYE[Thr298Pro]VVDTSEEDSF